The following is an entry in ClinVar:

ClinVar aggregate classification (germline): Uncertain significance (1 of 4 stars; one submission).

Allele frequency attached by ClinVar (database versions not stated): gnomAD exomes below 0.00001.

Submission:

GeneDx
Classification: Uncertain significance. Last evaluated: 2022-10-20. Review status: criteria provided, single submitter. Criteria: GeneDx Variant Classification Process June 2021. Collection method: clinical testing. Allele origin: germline. Affected: yes.
Comment: Not observed at significant frequency in large population cohorts (gnomAD); In silico analysis supports that this missense variant does not alter protein structure/function; Has not been previously published as pathogenic or benign to our knowledge

NM_014991.6(WDFY3):c.622G>A (p.Ala208Thr)

Gene: WDFY3 (WD repeat and FYVE domain containing 3; minus strand). Cytogenetic location: 4q21.23.
Variant type: single nucleotide variant.
Coding change: c.622G>A on transcript NM_014991.6 (MANE Select); coding-DNA position 622, G replaced by A.
Protein change: p.Ala208Thr; replaces alanine 208 with threonine.
Molecular consequence: missense variant.
Genome position (GRCh38, 1-based): chr4:84,831,560, C>T on the plus strand (G>A on the coding strand, the complement: WDFY3 is on the minus strand). VCF-style: chr4-84831560-C-T. GRCh37 (hg19) VCF-style: chr4-85752713-C-T.
Other names: short protein forms A208T.
Identifiers: ClinVar variation 2499689 (VCV002499689.1), dbSNP rs2534983573, ClinGen allele CA357542000.